The following is an entry in ClinVar:

ClinVar aggregate classification (germline): Conflicting classifications of pathogenicity. Review status: criteria provided, conflicting classifications (1 of 4 stars). 7 submissions from 7 submitters: Uncertain significance (1); Benign (2); Likely benign (3). 1 of the submissions does not count toward it. Last evaluated 2026-08-01.

Conditions:
OPA1-related disorder. Also called: OPA1-related disorders; OPA1-related condition.

Allele frequency attached by ClinVar (database versions not stated): gnomAD exomes 0.00028 and 0.00050; ExAC 0.00030; TOPMed 0.00038; gnomAD 0.00040 and 0.00041; ESP Exome Variant Server 0.00054.
gnomAD v4.1: 816 of 1,612,808 alleles (0.051%); highest among the groups gnomAD compares: Non-Finnish European, 0.061%; 2 homozygotes.

Submissions (7):

CeGaT Center for Human Genetics Tuebingen
Classification: Likely benign. Last evaluated: 2026-08-01. Review status: criteria provided, single submitter. Criteria: CeGaT Center For Human Genetics Tuebingen Variant Classification Criteria Version 2. Collection method: clinical testing. Allele origin: germline. Affected: yes. Observed: 3 variant alleles.
Comment: OPA1: BP4, BP7

Labcorp Genetics (formerly Invitae), Labcorp
Classification: Likely benign. Last evaluated: 2026-02-01. Review status: criteria provided, single submitter. Criteria: Invitae Variant Classification Sherloc (09022015). Collection method: clinical testing. Allele origin: germline.

Blueprint Genetics
Classification: Likely benign. Last evaluated: 2024-07-30. Review status: criteria provided, single submitter. Criteria: ACMG Guidelines, 2015. Collection method: clinical testing. Allele origin: germline.

Athena Diagnostics
Classification: Benign. Last evaluated: 2018-09-12. Review status: criteria provided, single submitter. Criteria: Athena Diagnostics Criteria. Collection method: clinical testing. Allele origin: germline.

Eurofins Ntd Llc (ga)
Classification: Uncertain significance. Last evaluated: 2013-11-19. Review status: criteria provided, single submitter. Criteria: EGL Classification Definitions 2015. Collection method: clinical testing. Allele origin: germline. Observed: 1 variant allele, 1 heterozygote.

GeneDx
Classification: Benign. Last evaluated: 2013-11-19. Review status: criteria provided, single submitter. Criteria: GeneDx Variant Classification (06012015). Collection method: clinical testing. Allele origin: germline. Affected: yes.
Comment: This variant is considered likely benign or benign based on one or more of the following criteria: it is a conservative change, it occurs at a poorly conserved position in the protein, it is predicted to be benign by multiple in silico algorithms, and/or has population frequency not consistent with disease.

PreventionGenetics, part of Exact Sciences
Classification: Likely benign for OPA1-related condition. Last evaluated: 2019-05-21. Review status: no assertion criteria provided. Collection method: clinical testing. Allele origin: germline. Not counted in ClinVar's aggregate classification.
Comment: This variant is classified as likely benign based on ACMG/AMP sequence variant interpretation guidelines (Richards et al. 2015 PMID: 25741868, with internal and published modifications).

Literature cited by the submitters: PubMed 27843123 (cited by Athena Diagnostics); PubMed 21828197 (cited by Athena Diagnostics).

NM_130837.3(OPA1):c.2421G>T (p.Leu807=)

Gene: OPA1 (OPA1 mitochondrial dynamin like GTPase; plus strand). Cytogenetic location: 3q29.
Variant type: single nucleotide variant.
Coding change: c.2421G>T on transcript NM_130837.3 (MANE Select); coding-DNA position 2421, G replaced by T.
Protein change: p.Leu807=; no amino-acid change (leucine 807 retained).
Molecular consequence: synonymous variant.
Genome position (GRCh38, 1-based): chr3:193,658,976, G>T. VCF-style: chr3-193658976-G-T. GRCh37 (hg19) VCF-style: chr3-193376765-G-T.
Other names: p.L752L:CTG>CTT; c.1887G>T, p.Leu629= (NM_001354663.2); c.1884G>T, p.Leu628= (NM_001354664.2); c.2256G>T, p.Leu752= (NM_015560.3); c.2148G>T, p.Leu716= (NM_130831.3); c.2202G>T, p.Leu734= (NM_130832.3); c.2259G>T, p.Leu753= (NM_130833.3); c.2310G>T, p.Leu770= (NM_130834.3); and 3 more.
Identifiers: ClinVar variation 95719 (VCV000095719.57), dbSNP rs148047706, ClinGen allele CA223209.